The following is an entry in ClinVar:

ClinVar aggregate classification (germline): Uncertain significance. Review status: criteria provided, multiple submitters, no conflicts (2 of 4 stars). 2 submissions from 2 submitters: Uncertain significance (2). Last evaluated 2025-07-12.

Conditions:
Marfan syndrome (MFS). Also called: MARFAN SYNDROME, TYPE I; Marfan syndrome type 1; Marfan's syndrome; FBN1-Related Marfan Syndrome; Marfan syndrome, classic. Identifiers: Orphanet 284963, Orphanet 558, MedGen C0024796, MONDO:0007947, OMIM 154700.

gnomAD v4.1: 1 of 1,613,762 alleles (0.000062%); highest among the groups gnomAD compares: Admixed American, 0.0017%; no homozygotes.

Submissions (2):

GeneDx
Classification: Uncertain significance. Last evaluated: 2025-07-12. Review status: criteria provided, single submitter. Criteria: GeneDx Variant Classification Process June 2021. Collection method: clinical testing. Allele origin: germline. Affected: yes.
Comment: Not observed at significant frequency in large population cohorts (gnomAD); In silico analysis supports that this missense variant has a deleterious effect on protein structure/function; Has not been previously published as pathogenic or benign to our knowledge; Does not affect a cysteine or calcium-binding residue within an EGF-like domain or a TGF-binding protein domain of the FBN1 gene; cysteine substitutions in the EGF-like domains represent the majority of pathogenic missense changes associated with FBN1-related disorders (PMID: 12938084); This variant is associated with the following publications: (PMID: 12938084)

All of Us Research Program, National Institutes of Health
Classification: Uncertain significance for Marfan syndrome. Last evaluated: 2024-03-24. Review status: criteria provided, single submitter. Criteria: ACMG Guidelines, 2015. Collection method: clinical testing. Allele origin: germline. Inheritance: Autosomal dominant inheritance. Observed: 1 variant allele, 1 heterozygote.
Comment: This missense variant replaces threonine with isoleucine at codon 1741 of the FBN1 protein. Computational prediction tools indicate that this variant has a deleterious impact on protein structure and function. To our knowledge, functional studies have not been reported for this variant. This variant has not been reported in individuals affected with FBN1-related disorders in the literature. This variant has been identified in 1/251096 chromosomes in the general population by the Genome Aggregation Database (gnomAD). The available evidence is insufficient to determine the role of this variant in disease conclusively. Therefore, this variant is classified as a Variant of Uncertain Significance.

This study involves interpretation of variants in research participants for the purpose of population health screening. Participant phenotype was not available at the time of variant classification. Additional details can be found in publication PMID: 35346344, PMCID: PMC8962531

NM_000138.5(FBN1):c.5222C>T (p.Thr1741Ile)

Gene: FBN1 (fibrillin 1; minus strand). Cytogenetic location: 15q21.1.
Variant type: single nucleotide variant.
Coding change: c.5222C>T on transcript NM_000138.5 (MANE Select); coding-DNA position 5222, C replaced by T.
Protein change: p.Thr1741Ile; replaces threonine 1741 with isoleucine.
Molecular consequence: missense variant.
Genome position (GRCh38, 1-based): chr15:48,463,084, G>A on the plus strand (C>T on the coding strand, the complement: FBN1 is on the minus strand). VCF-style: chr15-48463084-G-A. GRCh37 (hg19) VCF-style: chr15-48755281-G-A.
Other names: c.5222C>T, p.Thr1741Ile (NM_001406716.1); short protein forms T1741I.
Identifiers: ClinVar variation 3386787 (VCV003386787.2).